The following is an entry in ClinVar:

NM_030665.4(RAI1):c.3257dup (p.Lys1087fs)

Gene: RAI1 (retinoic acid induced 1; plus strand). Cytogenetic location: 17p11.2.
Variant type: Duplication.
Coding change: c.3257dup on transcript NM_030665.4 (MANE Select); coding-DNA position 3257, one base duplicated (G; older notation c.3257dupG).
Protein change: p.Lys1087fs; shifts the reading frame from lysine 1087.
Molecular consequence: frameshift variant.
Genome position (GRCh38, 1-based): chr17:17,796,205, G duplicated; the last of 6 consecutive G bases (chr17:17,796,200-17,796,205); duplicating any one gives the same sequence. VCF-style (leftmost placement, unchanged base first): chr17-17796199-T-TG. GRCh37 (hg19) VCF-style: chr17-17699513-T-TG.
Other names: short protein forms K1087fs.
Identifiers: ClinVar variation 1711432 (VCV001711432.30), dbSNP rs2508586127, ClinGen allele CA2580093096.

ClinVar aggregate classification (germline): Pathogenic (1 of 4 stars; one submission).

Submission:

CeGaT Center for Human Genetics Tuebingen
Classification: Pathogenic. Last evaluated: 2022-09-01. Review status: criteria provided, single submitter. Criteria: CeGaT Center For Human Genetics Tuebingen Variant Classification Criteria Version 2. Collection method: clinical testing. Allele origin: germline. Affected: yes. Observed: 1 variant allele.
Comment: RAI1: PVS1, PM2